The following is an entry in ClinVar:

NM_014225.6(PPP2R1A):c.659T>G (p.Val220Gly)

Gene: PPP2R1A (protein phosphatase 2 scaffold subunit Aalpha; plus strand). Cytogenetic location: 19q13.41.
Variant type: single nucleotide variant.
Coding change: c.659T>G on transcript NM_014225.6 (MANE Select); coding-DNA position 659, T replaced by G.
Protein change: p.Val220Gly; replaces valine 220 with glycine.
Molecular consequence: missense variant. On other transcripts: non-coding transcript variant (1).
Genome position (GRCh38, 1-based): chr19:52,212,962, T>G. VCF-style: chr19-52212962-T-G. GRCh37 (hg19) VCF-style: chr19-52716215-T-G.
Other names: c.122T>G, p.Val41Gly (NM_001363656.2); short protein forms V41G, V220G.
Identifiers: ClinVar variation 1414579 (VCV001414579.8), dbSNP rs2122337425, ClinGen allele CA407184292.

ClinVar aggregate classification (germline): Uncertain significance (1 of 4 stars; one submission).

Submission:

Labcorp Genetics (formerly Invitae), Labcorp
Classification: Uncertain significance. Last evaluated: 2021-03-15. Review status: criteria provided, single submitter. Criteria: Invitae Variant Classification Sherloc (09022015). Collection method: clinical testing. Allele origin: germline.
Comment: In summary, the available evidence is currently insufficient to determine the role of this variant in disease. Therefore, it has been classified as a Variant of Uncertain Significance. Algorithms developed to predict the effect of missense changes on protein structure and function (SIFT, PolyPhen-2, Align-GVGD) all suggest that this variant is likely to be disruptive, but these predictions have not been confirmed by published functional studies and their clinical significance is uncertain. This variant has not been reported in the literature in individuals with PPP2R1A-related conditions. This variant is not present in population databases (ExAC no frequency). This sequence change replaces valine with glycine at codon 220 of the PPP2R1A protein (p.Val220Gly). The valine residue is highly conserved and there is a moderate physicochemical difference between valine and glycine.